The following is an entry in ClinVar:

NM_182914.3(SYNE2):c.17889A>G (p.Ile5963Met)

Gene: SYNE2 (spectrin repeat containing nuclear envelope protein 2; plus strand). Cytogenetic location: 14q23.2.
Variant type: single nucleotide variant.
Coding change: c.17889A>G on transcript NM_182914.3 (MANE Select); coding-DNA position 17889, A replaced by G.
Protein change: p.Ile5963Met; replaces isoleucine 5963 with methionine.
Molecular consequence: missense variant.
Genome position (GRCh38, 1-based): chr14:64,190,088, A>G. VCF-style: chr14-64190088-A-G. GRCh37 (hg19) VCF-style: chr14-64656806-A-G.
Other names: c.17889A>G, p.Ile5963Met (NM_015180.6); short protein forms I5963M.
Identifiers: ClinVar variation 2177383 (VCV002177383.5), dbSNP rs1350431374, ClinGen allele CA389995149.

ClinVar aggregate classification (germline): Uncertain significance. Review status: criteria provided, multiple submitters, no conflicts (2 of 4 stars). 2 submissions from 2 submitters: Uncertain significance (2). Last evaluated 2026-02-26.

Conditions:
Emery-Dreifuss muscular dystrophy 5, autosomal dominant (EDMD5). Also called: EMERY-DREIFUSS MUSCULAR DYSTROPHY 5. Identifiers: Orphanet 261, MedGen C2751805, MONDO:0013072, OMIM 612999.

Allele frequency attached by ClinVar (database versions not stated): gnomAD exomes below 0.00001.
gnomAD v4.1: 3 of 1,614,052 alleles (0.00019%); highest among the groups gnomAD compares: Admixed American, 0.0017%; no homozygotes.

Submissions (2):

Laboratorio de Genetica e Diagnostico Molecular, Hospital Israelita Albert Einstein
Classification: Uncertain significance for Emery-Dreifuss muscular dystrophy 5, autosomal dominant. Last evaluated: 2026-02-26. Review status: criteria provided, single submitter. Criteria: ACMG Guidelines, 2015. Collection method: clinical testing. Allele origin: germline. Affected: yes.
Comment: ACMG classification criteria: PM2 supporting, BP4 supporting

Labcorp Genetics (formerly Invitae), Labcorp
Classification: Uncertain significance for Emery-Dreifuss muscular dystrophy 5, autosomal dominant. Last evaluated: 2024-03-25. Review status: criteria provided, single submitter. Criteria: Invitae Variant Classification Sherloc (09022015). Collection method: clinical testing. Allele origin: germline.
Comment: This sequence change replaces isoleucine, which is neutral and non-polar, with methionine, which is neutral and non-polar, at codon 5963 of the SYNE2 protein (p.Ile5963Met). This variant is present in population databases (no rsID available, gnomAD 0.003%). This variant has not been reported in the literature in individuals affected with SYNE2-related conditions. ClinVar contains an entry for this variant (Variation ID: 2177383). An algorithm developed to predict the effect of missense changes on protein structure and function (PolyPhen-2) suggests that this variant is likely to be disruptive. In summary, the available evidence is currently insufficient to determine the role of this variant in disease. Therefore, it has been classified as a Variant of Uncertain Significance.